The following is an entry in ClinVar:

NM_033225.6(CSMD1):c.543C>T (p.Ala181=)

Gene: CSMD1 (CUB and Sushi multiple domains 1; minus strand). Cytogenetic location: 8p23.2.
Variant type: single nucleotide variant.
Coding change: c.543C>T on transcript NM_033225.6 (MANE Select); coding-DNA position 543, C replaced by T.
Protein change: p.Ala181=; no amino-acid change (alanine 181 retained).
Molecular consequence: synonymous variant.
Genome position (GRCh38, 1-based): chr8:4,031,972, G>A on the plus strand (C>T on the coding strand, the complement: CSMD1 is on the minus strand). VCF-style: chr8-4031972-G-A. GRCh37 (hg19) VCF-style: chr8-3889494-G-A.
Other names: c.543C>T (NM_033225.5).
Identifiers: ClinVar variation 2583058 (VCV002583058.26), dbSNP rs74994887, ClinGen allele CA4609610.
Genomic context (GRCh38, chr8:4,031,972, plus strand): 5'-AAAGGGAGCTGGGAAGTCCCACGATGCACCATTTCCTGGGCTGACGATGCAGGTCAGGAT[G>A]GCGTGGCCTTCCAAGATGTAGCCAGGGAGGCAGCTGTACCGGATTTTGTCTCCTATGTTG-3'
Protein context (NP_150094.5, residues 171-191): CLPGYILEGH[Ala181=]ILTCIVSPGN

ClinVar aggregate classification (germline): Benign. Review status: criteria provided, single submitter (1 of 4 stars). 2 submissions from 2 submitters: Benign (1). 1 of the submissions does not count toward it. Last evaluated 2023-09-01.

Conditions:
CSMD1-related disorder. Also called: CSMD1-related condition.

Allele frequency attached by ClinVar (database versions not stated): gnomAD exomes 0.00040; ExAC 0.00128; 1000 Genomes Project 0.00359; 1000 Genomes Project 30x 0.00390; ESP Exome Variant Server 0.00416; gnomAD 0.00420; TOPMed 0.00462.
gnomAD v4.1: 1,264 of 1,613,974 alleles (0.078%); highest among the groups gnomAD compares: African/African-American, 1.5%; 9 homozygotes.

Submissions (2):

CeGaT Center for Human Genetics Tuebingen
Classification: Benign. Last evaluated: 2023-09-01. Review status: criteria provided, single submitter. Criteria: CeGaT Center For Human Genetics Tuebingen Variant Classification Criteria Version 2. Collection method: clinical testing. Allele origin: germline. Affected: yes. Observed: 1 variant allele.
Comment: CSMD1: BP4, BP7, BS1, BS2

PreventionGenetics, part of Exact Sciences
Classification: Benign for CSMD1-related condition. Last evaluated: 2020-01-13. Review status: no assertion criteria provided. Collection method: clinical testing. Allele origin: germline. Not counted in ClinVar's aggregate classification.
Comment: This variant is classified as benign based on ACMG/AMP sequence variant interpretation guidelines (Richards et al. 2015 PMID: 25741868, with internal and published modifications).